The following is an entry in ClinVar:

NM_001267550.2(TTN):c.32392+1G>A

Gene: TTN (titin; minus strand). Cytogenetic location: 2q31.2.
Variant type: single nucleotide variant.
Coding change: c.32392+1G>A on transcript NM_001267550.2 (MANE Select); the canonical splice donor site of the intron after coding-DNA position 32392, G replaced by A.
Molecular consequence: splice donor variant. On other transcripts: intron variant (3).
Genome position (GRCh38, 1-based): chr2:178,685,517, C>T on the plus strand (G>A on the coding strand, the complement: TTN is on the minus strand). VCF-style: chr2-178685517-C-T. GRCh37 (hg19) VCF-style: chr2-179550244-C-T.
Other names: c.13283-43200G>A (NM_003319.4); c.13859-43200G>A (NM_133437.4); c.13658-43200G>A (NM_133432.3); c.28660+1G>A (NM_133378.4); c.31441+1G>A (NM_001256850.1).
Identifiers: ClinVar variation 855167 (VCV000855167.12), dbSNP rs1424314036, ClinGen allele CA349549069.
Genomic context (GRCh38, chr2:178,685,517, plus strand): 5'-GGAAACATAAAGAAGGAGACAAGCTAACATAGGGATAAAACTAATTAAAGAGTCAGCATA[C>T]CTTCAGCTGGCTCAGCTTCCACTCTCTTAGAAATAATGTGCAGCTTTTCTTCCACAACAT-3'

ClinVar aggregate classification (germline): Conflicting classifications of pathogenicity. Review status: criteria provided, conflicting classifications (1 of 4 stars). 3 submissions from 3 submitters: Likely pathogenic (1); Uncertain significance (2). Last evaluated 2026-01-05.

Conditions:
Dilated cardiomyopathy 1G (CMD1G). Identifiers: Orphanet 154, MedGen C1858763, MONDO:0011400, OMIM 604145.
Autosomal recessive limb-girdle muscular dystrophy type 2J (LGMDR10). Also called: MUSCULAR DYSTROPHY, LIMB-GIRDLE, AUTOSOMAL RECESSIVE 10; Limb-girdle muscular dystrophy, type 2J. Identifiers: Orphanet 140922, MedGen C1837342, MONDO:0012127, OMIM 608807.

Allele frequency attached by ClinVar (database versions not stated): gnomAD exomes 0.00001; TOPMed 0.00002.
gnomAD v4.1: 16 of 1,611,454 alleles (0.00099%); highest among the groups gnomAD compares: Non-Finnish European, 0.0013%; no homozygotes.

Submissions (3):

Labcorp Genetics (formerly Invitae), Labcorp
Classification: Likely pathogenic for Dilated cardiomyopathy 1G; Autosomal recessive limb-girdle muscular dystrophy type 2J. Last evaluated: 2026-01-05. Review status: criteria provided, single submitter. Criteria: Invitae Variant Classification Sherloc (09022015). Collection method: clinical testing. Allele origin: germline.
Comment: This sequence change affects a donor splice site in intron 128 of the TTN gene. It is expected to disrupt RNA splicing and likely results in a truncated or disrupted TTN protein. This variant is present in population databases (no rsID available, gnomAD 0.003%). This variant has not been reported in the literature in individuals affected with TTN-related conditions. ClinVar contains an entry for this variant (Variation ID: 855167). Algorithms developed to predict the effect of sequence changes on RNA splicing suggest that this variant may disrupt the consensus splice site. This variant is located in the I band of TTN (PMID: 25589632). Truncating variants in this region have been reported in individuals affected with autosomal recessive centronuclear myopathy (PMID: 23975875, internal data). Truncating variants in this region have also been identified in individuals affected with autosomal dominant dilated cardiomyopathy and/or cardio-related conditions (PMID: 27869827, 32964742, internal data). In summary, the currently available evidence indicates that the variant is pathogenic, but additional data are needed to prove that conclusively. Therefore, this variant has been classified as Likely Pathogenic.

GeneDx
Classification: Uncertain significance. Last evaluated: 2025-07-09. Review status: criteria provided, single submitter. Criteria: GeneDx Variant Classification Process June 2021. Collection method: clinical testing. Allele origin: germline. Affected: yes.
Comment: Not observed at significant frequency in large population cohorts (gnomAD); Canonical splice site variant in a gene or region of a gene for which loss of function is not a well-established mechanism of disease; Has not been previously published as pathogenic or benign to our knowledge

AiLife Diagnostics
Classification: Uncertain significance. Last evaluated: 2021-12-30. Review status: criteria provided, single submitter. Criteria: ACMG Guidelines, 2015. Collection method: clinical testing. Allele origin: germline. Affected: yes. Observed: 1 variant allele.

Literature cited by the submitters: PubMed 25589632 (cited by Labcorp Genetics (formerly Invitae), Labcorp); PubMed 23975875 (cited by Labcorp Genetics (formerly Invitae), Labcorp); PubMed 27869827 (cited by Labcorp Genetics (formerly Invitae), Labcorp); PubMed 32964742 (cited by Labcorp Genetics (formerly Invitae), Labcorp).